The following is an entry in ClinVar:

NM_004336.5(BUB1):c.513G>T (p.Met171Ile)

Gene: BUB1 (BUB1 mitotic checkpoint serine/threonine kinase; minus strand). Cytogenetic location: 2q13.
Variant type: single nucleotide variant.
Coding change: c.513G>T on transcript NM_004336.5 (MANE Select); coding-DNA position 513, G replaced by T.
Protein change: p.Met171Ile; replaces methionine 171 with isoleucine.
Molecular consequence: missense variant.
Genome position (GRCh38, 1-based): chr2:110,669,507, C>A on the plus strand (G>T on the coding strand, the complement: BUB1 is on the minus strand). VCF-style: chr2-110669507-C-A. GRCh37 (hg19) VCF-style: chr2-111427084-C-A.
Other names: c.453G>T, p.Met151Ile (NM_001278616.2); c.513G>T, p.Met171Ile (NM_001278617.2); short protein forms M151I, M171I.
Identifiers: ClinVar variation 3224105 (VCV003224105.1), dbSNP rs2468031014, ClinGen allele CA348219212.

ClinVar aggregate classification (germline): Uncertain significance (1 of 4 stars; one submission).

Submission:

Ambry Genetics
Classification: Uncertain significance. Last evaluated: 2023-09-21. Review status: criteria provided, single submitter. Criteria: Ambry Variant Classification Scheme 2023. Collection method: clinical testing. Allele origin: germline.
Comment: The p.M171I variant (also known as c.513G>T), located in coding exon 6 of the BUB1 gene, results from a G to T substitution at nucleotide position 513. The methionine at codon 171 is replaced by isoleucine, an amino acid with highly similar properties. This amino acid position is conserved. In addition, this alteration is predicted to be tolerated by in silico analysis. Since supporting evidence is limited at this time, the clinical significance of this alteration remains unclear.